The following is an entry in ClinVar:

ClinVar aggregate classification (germline): Likely benign. Review status: criteria provided, multiple submitters, no conflicts (2 of 4 stars). 5 submissions from 5 submitters: Likely benign (5). Last evaluated 2026-01-23.

Conditions:
Dilated cardiomyopathy 1JJ (CMD1JJ). Identifiers: Orphanet 154, MedGen C3808935, MONDO:0014095, OMIM 615235.
Cardiovascular phenotype. Identifiers: MedGen CN230736.

Allele frequency attached by ClinVar (database versions not stated): gnomAD 0.00010; TOPMed 0.00013; ESP Exome Variant Server 0.00038.
gnomAD v4.1: 249 of 1,612,666 alleles (0.015%); highest among the groups gnomAD compares: Middle Eastern, 0.13%; no homozygotes.

Submissions (5):

Labcorp Genetics (formerly Invitae), Labcorp
Classification: Likely benign for Dilated cardiomyopathy 1JJ. Last evaluated: 2026-01-23. Review status: criteria provided, single submitter. Criteria: Invitae Variant Classification Sherloc (09022015). Collection method: clinical testing. Allele origin: germline.

GeneDx
Classification: Likely benign. Last evaluated: 2021-02-23. Review status: criteria provided, single submitter. Criteria: GeneDx Variant Classification Process June 2021. Collection method: clinical testing. Allele origin: germline. Affected: yes.

Ambry Genetics
Classification: Likely benign for Cardiovascular phenotype. Last evaluated: 2016-06-10. Review status: criteria provided, single submitter. Criteria: Ambry Variant Classification Scheme 2023. Collection method: clinical testing. Allele origin: germline.

Laboratory for Molecular Medicine, Mass General Brigham Personalized Medicine
Classification: Likely benign. Last evaluated: 2015-10-01. Review status: criteria provided, single submitter. Criteria: LMM Criteria. Collection method: clinical testing. Allele origin: germline. Observed: 1 variant allele.
Comment: p.Phe1266Phe in exon 28 of LAMA4: This variant is not expected to have clinical significance because it does not alter an amino acid residue and is not located within the splice consensus sequence. It has been identified in 12/66166 Europea n chromosomes by the Exome Aggregation Consortium (ExAC; dbSNP rs138232283).

Breakthrough Genomics
Classification: Likely benign. Review status: criteria provided, single submitter. Criteria: ACMG Guidelines, 2015. Collection method: not provided. Allele origin: germline. Inheritance: Autosomal dominant inheritance. Affected: yes.

NM_001105206.3(LAMA4):c.3819C>T (p.Phe1273=)

Gene: LAMA4 (laminin subunit alpha 4; minus strand). Cytogenetic location: 6q21.
Variant type: single nucleotide variant.
Coding change: c.3819C>T on transcript NM_001105206.3 (MANE Select); coding-DNA position 3819, C replaced by T.
Protein change: p.Phe1273=; no amino-acid change (phenylalanine 1273 retained).
Molecular consequence: synonymous variant.
Genome position (GRCh38, 1-based): chr6:112,132,768, G>A on the plus strand (C>T on the coding strand, the complement: LAMA4 is on the minus strand). VCF-style: chr6-112132768-G-A. GRCh37 (hg19) VCF-style: chr6-112453970-G-A.
Other names: c.3798C>T, p.Phe1266= (NM_001105207.3, NM_002290.5).
Identifiers: ClinVar variation 227478 (VCV000227478.19), dbSNP rs138232283, ClinGen allele CA3965127.